The following is an entry in ClinVar:

NM_001347721.2(DYRK1A):c.802G>C (p.Ala268Pro)

Gene: DYRK1A (dual specificity tyrosine phosphorylation regulated kinase 1A; plus strand). Cytogenetic location: 21q22.13.
Variant type: single nucleotide variant.
Coding change: c.802G>C on transcript NM_001347721.2 (MANE Select); coding-DNA position 802, G replaced by C.
Protein change: p.Ala268Pro; replaces alanine 268 with proline.
Molecular consequence: missense variant.
Genome position (GRCh38, 1-based): chr21:37,490,339, G>C. VCF-style: chr21-37490339-G-C. GRCh37 (hg19) VCF-style: chr21-38862641-G-C.
Other names: c.802G>C, p.Ala268Pro (NM_001347722.2, NM_130436.2); c.715G>C, p.Ala239Pro (NM_001347723.2); c.829G>C, p.Ala277Pro (NM_001396.5, NM_101395.2, NM_130438.2); short protein forms A277P, A239P, A268P.
Identifiers: ClinVar variation 421881 (VCV000421881.2), dbSNP rs1064795422, ClinGen allele CA16621000.

ClinVar aggregate classification (germline): Likely pathogenic (1 of 4 stars; one submission).

Submission:

GeneDx
Classification: Likely pathogenic. Last evaluated: 2016-08-08. Review status: criteria provided, single submitter. Criteria: GeneDx Variant Classification (06012015). Collection method: clinical testing. Allele origin: germline. Affected: yes.
Comment: The A277P variant in the DYRK1A gene has not been reported previously as a pathogenic variant, nor as a benign variant, to our knowledge. The A277P variant was not observed in approximately 6500 individuals of European and African American ancestry in the NHLBI Exome Sequencing Project, indicating it is not a common benign variant in these populations. The A277P variant is a semi-conservative amino acid substitution, which may impact secondary protein structure as these residues differ in some properties. This substitution occurs at a position that is conserved across species and in silico analysis predicts this variant is probably damaging to the protein structure/function. The A277P variant is a strong candidate for a pathogenic variant, however the possibility it may be a rare benign variant cannot be excluded.